The following is an entry in ClinVar:

NM_178170.3(NEK8):c.287G>T (p.Cys96Phe)

Gene: NEK8 (NIMA related kinase 8; plus strand). Cytogenetic location: 17q11.2.
Variant type: single nucleotide variant.
Coding change: c.287G>T on transcript NM_178170.3 (MANE Select); coding-DNA position 287, G replaced by T.
Protein change: p.Cys96Phe; replaces cysteine 96 with phenylalanine.
Molecular consequence: missense variant.
Genome position (GRCh38, 1-based): chr17:28,734,805, G>T. VCF-style: chr17-28734805-G-T. GRCh37 (hg19) VCF-style: chr17-27061823-G-T.
Other names: short protein forms C96F.
Identifiers: ClinVar variation 2418339 (VCV002418339.6), dbSNP rs1381189635, ClinGen allele CA398423894.

ClinVar aggregate classification (germline): Uncertain significance (1 of 4 stars; one submission).

Conditions:
Nephronophthisis 9 (NPHP9). Identifiers: Orphanet 655, MedGen C3151188, MONDO:0013444, OMIM 613824.

Submission:

Labcorp Genetics (formerly Invitae), Labcorp
Classification: Uncertain significance for Nephronophthisis 9. Last evaluated: 2022-06-22. Review status: criteria provided, single submitter. Criteria: Invitae Variant Classification Sherloc (09022015). Collection method: clinical testing. Allele origin: germline.
Comment: Algorithms developed to predict the effect of missense changes on protein structure and function (SIFT, PolyPhen-2, Align-GVGD) all suggest that this variant is likely to be disruptive. In summary, the available evidence is currently insufficient to determine the role of this variant in disease. Therefore, it has been classified as a Variant of Uncertain Significance. This variant has not been reported in the literature in individuals affected with NEK8-related conditions. This variant is not present in population databases (gnomAD no frequency). This sequence change replaces cysteine, which is neutral and slightly polar, with phenylalanine, which is neutral and non-polar, at codon 96 of the NEK8 protein (p.Cys96Phe).